The following is an entry in ClinVar:

NM_000245.4(MET):c.2417T>C (p.Leu806Pro)

Gene: MET (MET proto-oncogene, receptor tyrosine kinase; plus strand). Cytogenetic location: 7q31.2.
Variant type: single nucleotide variant.
Coding change: c.2417T>C on transcript NM_000245.4 (MANE Select); coding-DNA position 2417, T replaced by C.
Protein change: p.Leu806Pro; replaces leucine 806 with proline.
Molecular consequence: missense variant.
Genome position (GRCh38, 1-based): chr7:116,763,102, T>C. VCF-style: chr7-116763102-T-C. GRCh37 (hg19) VCF-style: chr7-116403156-T-C.
Other names: c.2471T>C, p.Leu824Pro (NM_001127500.3); c.2417T>C, p.Leu806Pro (NM_001324401.3); c.1127T>C, p.Leu376Pro (NM_001324402.2); short protein forms L376P, L824P, L806P.
Identifiers: ClinVar variation 861228 (VCV000861228.11), dbSNP rs1390958903, ClinGen allele CA368983076.

ClinVar aggregate classification (germline): Uncertain significance. Review status: criteria provided, multiple submitters, no conflicts (2 of 4 stars). 2 submissions from 2 submitters: Uncertain significance (2). Last evaluated 2026-08-10.

Conditions:
Renal cell carcinoma. Identifiers: Orphanet 217071, MedGen C0007134, MeSH D002292, MONDO:0005086, HP:0005584.
Hereditary cancer-predisposing syndrome. Also called: Tumor predisposition; Hereditary neoplastic syndrome; Neoplastic Syndromes, Hereditary; Hereditary Cancer Syndrome. Identifiers: Orphanet 140162, MedGen C0027672, MeSH D009386, MONDO:0015356.

Submissions (2):

Ambry Genetics
Classification: Uncertain significance for Hereditary cancer-predisposing syndrome. Last evaluated: 2026-08-10. Review status: criteria provided, single submitter. Criteria: Ambry Variant Classification Scheme 2023. Collection method: clinical testing. Allele origin: germline.
Comment: The p.L824P variant (also known as c.2471T>C), located in coding exon 10 of the MET gene, results from a T to C substitution at nucleotide position 2471. The leucine at codon 824 is replaced by proline, an amino acid with similar properties. This amino acid position is conserved. In addition, this alteration is predicted to be deleterious by in silico analysis. Based on the available evidence, the clinical significance of this variant remains unclear.

Labcorp Genetics (formerly Invitae), Labcorp
Classification: Uncertain significance for Renal cell carcinoma. Last evaluated: 2020-01-10. Review status: criteria provided, single submitter. Criteria: Invitae Variant Classification Sherloc (09022015). Collection method: clinical testing. Allele origin: germline.
Comment: This sequence change replaces leucine with proline at codon 824 of the MET protein (p.Leu824Pro). The leucine residue is highly conserved and there is a moderate physicochemical difference between leucine and proline. In summary, the available evidence is currently insufficient to determine the role of this variant in disease. Therefore, it has been classified as a Variant of Uncertain Significance. Algorithms developed to predict the effect of missense changes on protein structure and function are either unavailable or do not agree on the potential impact of this missense change (SIFT: "Deleterious"; PolyPhen-2: "Probably Damaging"; Align-GVGD: "Class C0"). This variant has not been reported in the literature in individuals with MET-related conditions. This variant is not present in population databases (ExAC no frequency).